The following is an entry in ClinVar:

ClinVar aggregate classification (germline): Conflicting classifications of pathogenicity. Review status: criteria provided, conflicting classifications (1 of 4 stars). 2 submissions from 2 submitters: Uncertain significance (1); Likely benign (1). Last evaluated 2024-06-24.

Conditions:
Mendelian susceptibility to mycobacterial diseases due to complete IL12RB1 deficiency. Also called: Immunodeficiency 30; IL12RB1 DEFICIENCY. Identifiers: Orphanet 319552, MedGen C4013949, MONDO:0013955, OMIM 614891.

Allele frequency attached by ClinVar (database versions not stated): gnomAD 0.00001; gnomAD exomes 0.00001 and 0.00002; TOPMed 0.00002; ExAC 0.00004.
gnomAD v4.1: 13 of 1,600,142 alleles (0.00081%); highest among the groups gnomAD compares: East Asian, 0.011%; no homozygotes.

Submissions (2):

Blueprint Genetics
Classification: Likely benign. Last evaluated: 2024-06-24. Review status: criteria provided, single submitter. Criteria: ACMG Guidelines, 2015. Collection method: clinical testing. Allele origin: germline.

Labcorp Genetics (formerly Invitae), Labcorp
Classification: Uncertain significance for Mendelian susceptibility to mycobacterial diseases due to complete IL12RB1 deficiency. Last evaluated: 2022-07-12. Review status: criteria provided, single submitter. Criteria: Invitae Variant Classification Sherloc (09022015). Collection method: clinical testing. Allele origin: germline.
Comment: This variant is present in population databases (rs772945592, gnomAD 0.02%). This sequence change affects codon 626 of the IL12RB1 mRNA. It is a 'silent' change, meaning that it does not change the encoded amino acid sequence of the IL12RB1 protein. This variant has not been reported in the literature in individuals affected with IL12RB1-related conditions. ClinVar contains an entry for this variant (Variation ID: 643981). Algorithms developed to predict the effect of sequence changes on RNA splicing suggest that this variant may create or strengthen a splice site. In summary, the available evidence is currently insufficient to determine the role of this variant in disease. Therefore, it has been classified as a Variant of Uncertain Significance.

NM_005535.3(IL12RB1):c.1878C>T (p.Gly626=)

Gene: IL12RB1 (interleukin 12 receptor subunit beta 1; minus strand). Cytogenetic location: 19p13.11.
Variant type: single nucleotide variant.
Coding change: c.1878C>T on transcript NM_005535.3 (MANE Select); coding-DNA position 1878, C replaced by T.
Protein change: p.Gly626=; no amino-acid change (glycine 626 retained).
Molecular consequence: synonymous variant.
Genome position (GRCh38, 1-based): chr19:18,059,999, G>A on the plus strand (C>T on the coding strand, the complement: IL12RB1 is on the minus strand). VCF-style: chr19-18059999-G-A. GRCh37 (hg19) VCF-style: chr19-18170809-G-A.
Other names: c.1878C>T, p.Gly626= (NM_001290023.2); c.1998C>T, p.Gly666= (NM_001290024.2).
Identifiers: ClinVar variation 643981 (VCV000643981.9), dbSNP rs772945592, ClinGen allele CA9304662.